The following is an entry in ClinVar:

NM_004174.4(SLC9A3):c.2376del (p.Tyr793fs)

Genes: SLC9A3 (solute carrier family 9 member A3), SLC9A3-AS1 (SLC9A3 antisense RNA 1; plus strand). Cytogenetic location: 5p15.33.
Variant type: Deletion.
Coding change: c.2376del on transcript NM_004174.4 (MANE Select); coding-DNA position 2376, one base deleted.
Protein change: p.Tyr793fs; shifts the reading frame from tyrosine 793.
Molecular consequence: frameshift variant.
Genome position: GRCh38 VCF-style: chr5-475007-AG-A. GRCh37 (hg19) VCF-style: chr5-475122-AG-A.
Other names: c.2349del, p.Tyr784fs (NM_001284351.3); short protein forms Y784fs, Y793fs.
Identifiers: ClinVar variation 2849118 (VCV002849118.3), dbSNP rs2477531450, ClinGen allele CA658775131.
Genomic context (GRCh38, chr5:475,007, plus strand): 5'-AGTCCACGGACTTGCTGCTGAGGCGGAAGGGCATCAGGCGGCAGAAGGTGCCGGGAGAGT[AG>A]GGAATCTGCGTGCGGGCCCTCTGCGAGGGGACCACCGTCTCCCCGGGAGACAGCCAGGGC-3'

ClinVar aggregate classification (germline): Pathogenic (1 of 4 stars; one submission).

Submission:

Labcorp Genetics (formerly Invitae), Labcorp
Classification: Pathogenic. Last evaluated: 2023-03-24. Review status: criteria provided, single submitter. Criteria: Invitae Variant Classification Sherloc (09022015). Collection method: clinical testing. Allele origin: germline.
Comment: For these reasons, this variant has been classified as Pathogenic. This variant has not been reported in the literature in individuals affected with SLC9A3-related conditions. This variant is not present in population databases (gnomAD no frequency). This sequence change creates a premature translational stop signal (p.Tyr793Thrfs*9) in the SLC9A3 gene. It is expected to result in an absent or disrupted protein product. Loss-of-function variants in SLC9A3 are known to be pathogenic (PMID: 26358773).

Literature cited by the submitters: PubMed 26358773.